The following is an entry in ClinVar:

ClinVar aggregate classification (germline): Uncertain significance (1 of 4 stars; one submission).

Allele frequency attached by ClinVar (database versions not stated): TOPMed below 0.00001.

Submission:

GeneDx
Classification: Uncertain significance. Last evaluated: 2020-02-06. Review status: criteria provided, single submitter. Criteria: GeneDx Variant Classification Process June 2021. Collection method: clinical testing. Allele origin: germline. Affected: yes.
Comment: Not observed in large population cohorts (Lek et al., 2016); In silico analysis supports that this missense variant does not alter protein structure/function; Has not been previously published as pathogenic or benign to our knowledge

NM_002609.4(PDGFRB):c.2269A>G (p.Met757Val)

Gene: PDGFRB (platelet derived growth factor receptor beta; minus strand). Cytogenetic location: 5q32.
Variant type: single nucleotide variant.
Coding change: c.2269A>G on transcript NM_002609.4 (MANE Select); coding-DNA position 2269, A replaced by G.
Protein change: p.Met757Val; replaces methionine 757 with valine.
Molecular consequence: missense variant.
Genome position (GRCh38, 1-based): chr5:150,121,955, T>C on the plus strand (A>G on the coding strand, the complement: PDGFRB is on the minus strand). VCF-style: chr5-150121955-T-C. GRCh37 (hg19) VCF-style: chr5-149501518-T-C.
Other names: c.2077A>G, p.Met693Val (NM_001355016.2); c.1786A>G, p.Met596Val (NM_001355017.2); short protein forms M757V, M693V, M596V.
Identifiers: ClinVar variation 452509 (VCV000452509.3), dbSNP rs933723345, ClinGen allele CA129100450.